The following is an entry in ClinVar:

ClinVar aggregate classification (germline): Likely benign. Review status: criteria provided, multiple submitters, no conflicts (2 of 4 stars). 3 submissions from 3 submitters: Likely benign (2). 1 of the submissions does not count toward it. Last evaluated 2024-10-15.

Conditions:
SLC2A1-related disorder. Also called: SLC2A1-related condition; SLC2A1-related disorders.
Inborn genetic diseases. Identifiers: MedGen C0950123, MeSH D030342.
GLUT1 deficiency syndrome 1, autosomal recessive. Identifiers: MedGen C3149117.

Allele frequency attached by ClinVar (database versions not stated): gnomAD exomes below 0.00001 and 0.00001; TOPMed 0.00001; gnomAD 0.00002.
gnomAD v4.1: 11 of 1,613,700 alleles (0.00068%); highest among the groups gnomAD compares: Non-Finnish European, 0.00093%; no homozygotes.

Submissions (3):

Labcorp Genetics (formerly Invitae), Labcorp
Classification: Likely benign for GLUT1 deficiency syndrome 1, autosomal recessive. Last evaluated: 2024-10-15. Review status: criteria provided, single submitter. Criteria: Invitae Variant Classification Sherloc (09022015). Collection method: clinical testing. Allele origin: germline.

Ambry Genetics
Classification: Likely benign for Inborn genetic diseases. Last evaluated: 2016-07-08. Review status: criteria provided, single submitter. Criteria: Ambry Variant Classification Scheme 2023. Collection method: clinical testing. Allele origin: germline.

PreventionGenetics, part of Exact Sciences
Classification: Likely benign for SLC2A1-related condition. Last evaluated: 2022-12-26. Review status: no assertion criteria provided. Collection method: clinical testing. Allele origin: germline. Not counted in ClinVar's aggregate classification.
Comment: This variant is classified as likely benign based on ACMG/AMP sequence variant interpretation guidelines (Richards et al. 2015 PMID: 25741868, with internal and published modifications).

NM_006516.4(SLC2A1):c.804C>T (p.Tyr268=)

Gene: SLC2A1 (solute carrier family 2 member 1; minus strand). Cytogenetic location: 1p34.2.
Variant type: single nucleotide variant.
Coding change: c.804C>T on transcript NM_006516.4 (MANE Select); coding-DNA position 804, C replaced by T.
Protein change: p.Tyr268=; no amino-acid change (tyrosine 268 retained).
Molecular consequence: synonymous variant.
Genome position (GRCh38, 1-based): chr1:42,929,656, G>A on the plus strand (C>T on the coding strand, the complement: SLC2A1 is on the minus strand). VCF-style: chr1-42929656-G-A. GRCh37 (hg19) VCF-style: chr1-43395327-G-A.
Identifiers: ClinVar variation 587759 (VCV000587759.10), dbSNP rs1370873840, ClinGen allele CA417409348.
Genomic context (GRCh38, chr1:42,929,656, plus strand): 5'-GTTGATGCCAGACAGCTGCTGGGACAGCTGCAGCACCACAGCGATGAGGATGGGCTGGCG[G>A]TAGGCGGGGGAGCGGAACAGCTCCAGGATGGTGACCTTCTTCTCCCGCATCATCTGCCGA-3'
Protein context (NP_006507.2, residues 258-278): TILELFRSPA[Tyr268=]RQPILIAVVL